The following is an entry in ClinVar:

ClinVar aggregate classification (germline): Pathogenic (1 of 4 stars; one submission).

Conditions:
Pallister-Hall syndrome (PHS). Also called: HYPOTHALAMIC HAMARTOBLASTOMA, HYPOPITUITARISM, IMPERFORATE ANUS, AND POSTAXIAL POLYDACTYLY; GLI3-Related Pallister-Hall Syndrome. Identifiers: Orphanet 672, MedGen C0265220, MONDO:0007804, OMIM 146510.
Greig cephalopolysyndactyly syndrome (GCPS). Also called: GLI3-Related Greig Cephalopolysyndactyly Syndrome; POLYSYNDACTYLY WITH PECULIAR SKULL SHAPE; Greig syndrome. Identifiers: Orphanet 380, MedGen C0265306, MONDO:0008287, OMIM 175700.

Submission:

Labcorp Genetics (formerly Invitae), Labcorp
Classification: Pathogenic for Pallister-Hall syndrome; Greig cephalopolysyndactyly syndrome. Last evaluated: 2025-02-07. Review status: criteria provided, single submitter. Criteria: Invitae Variant Classification Sherloc (09022015). Collection method: clinical testing. Allele origin: germline.
Comment: This sequence change creates a premature translational stop signal (p.Met201Thrfs*16) in the GLI3 gene. It is expected to result in an absent or disrupted protein product. Loss-of-function variants in GLI3 are known to be pathogenic (PMID: 10441570, 15739154, 18000979, 24736735). This variant is not present in population databases (gnomAD no frequency). This variant has not been reported in the literature in individuals affected with GLI3-related conditions. For these reasons, this variant has been classified as Pathogenic.

Literature cited by the submitters: PubMed 10441570; PubMed 15739154; PubMed 18000979; PubMed 24736735.

NM_000168.6(GLI3):c.600_601dup (p.Met201fs)

Gene: GLI3 (GLI family zinc finger 3; minus strand). Cytogenetic location: 7p14.1.
Variant type: Duplication.
Coding change: c.600_601dup on transcript NM_000168.6 (MANE Select); coding-DNA positions 600 to 601, 2 bases duplicated (CA; older notation c.600_601dupCA).
Protein change: p.Met201fs; shifts the reading frame from methionine 201.
Molecular consequence: frameshift variant.
Genome position (GRCh38, 1-based): chr7:42,048,569-42,048,570, TG duplicated on the plus strand (CA on the coding strand, the reverse complement: GLI3 is on the minus strand); duplicating any 2 consecutive bases within chr7:42,048,569-42,048,571 gives the same sequence; the c. name uses the placement nearest the transcript's 3' end. VCF-style (leftmost placement, unchanged base first): chr7-42048568-A-ATG. GRCh37 (hg19) VCF-style: chr7-42088167-A-ATG.
Other names: short protein forms M201fs.
Identifiers: ClinVar variation 3759508 (VCV003759508.2).